The following is an entry in ClinVar:

NM_001367624.2(ZNF469):c.3401A>G (p.Glu1134Gly)

Gene: ZNF469 (zinc finger protein 469; plus strand). Cytogenetic location: 16q24.2.
Variant type: single nucleotide variant.
Coding change: c.3401A>G on transcript NM_001367624.2 (MANE Select); coding-DNA position 3401, A replaced by G.
Protein change: p.Glu1134Gly; replaces glutamic acid 1134 with glycine.
Molecular consequence: missense variant.
Genome position (GRCh38, 1-based): chr16:88,430,871, A>G. VCF-style: chr16-88430871-A-G. GRCh37 (hg19) VCF-style: chr16-88497279-A-G.
Other names: NM_001127464.1:c.3317A>G; short protein forms E1134G.
Identifiers: ClinVar variation 2093992 (VCV002093992.2), dbSNP rs2507583275, ClinGen allele CA397083939.

ClinVar aggregate classification (germline): Uncertain significance. Review status: criteria provided, multiple submitters, no conflicts (2 of 4 stars). 2 submissions from 2 submitters: Uncertain significance (2). Last evaluated 2024-09-11.

Conditions:
Cardiovascular phenotype. Identifiers: MedGen CN230736.

Submissions (2):

Ambry Genetics
Classification: Uncertain significance for Cardiovascular phenotype. Last evaluated: 2024-09-11. Review status: criteria provided, single submitter. Criteria: Ambry Variant Classification Scheme 2023. Collection method: clinical testing. Allele origin: germline.
Comment: The p.E1106G variant (also known as c.3317A>G), located in coding exon 2 of the ZNF469 gene, results from an A to G substitution at nucleotide position 3317. The glutamic acid at codon 1106 is replaced by glycine, an amino acid with similar properties. This amino acid position is conserved. In addition, this alteration is predicted to be tolerated by in silico analysis. Based on the available evidence, the clinical significance of this variant remains unclear.

Labcorp Genetics (formerly Invitae), Labcorp
Classification: Uncertain significance. Last evaluated: 2022-07-08. Review status: criteria provided, single submitter. Criteria: Invitae Variant Classification Sherloc (09022015). Collection method: clinical testing. Allele origin: germline.
Comment: This sequence change replaces glutamic acid, which is acidic and polar, with glycine, which is neutral and non-polar, at codon 1106 of the ZNF469 protein (p.Glu1106Gly). This variant is not present in population databases (gnomAD no frequency). This variant has not been reported in the literature in individuals affected with ZNF469-related conditions. Algorithms developed to predict the effect of missense changes on protein structure and function output the following: SIFT: "Tolerated"; PolyPhen-2: "Benign"; Align-GVGD: "Class C0". The glycine amino acid residue is found in multiple mammalian species, which suggests that this missense change does not adversely affect protein function. In summary, the available evidence is currently insufficient to determine the role of this variant in disease. Therefore, it has been classified as a Variant of Uncertain Significance.